The following is an entry in ClinVar:

NM_014466.3(TEKT2):c.870C>T (p.Ile290=)

Gene: TEKT2 (tektin 2; plus strand). Cytogenetic location: 1p34.3.
Variant type: single nucleotide variant.
Coding change: c.870C>T on transcript NM_014466.3 (MANE Select); coding-DNA position 870, C replaced by T.
Protein change: p.Ile290=; no amino-acid change (isoleucine 290 retained).
Molecular consequence: synonymous variant.
Genome position (GRCh38, 1-based): chr1:36,087,453, C>T. VCF-style: chr1-36087453-C-T. GRCh37 (hg19) VCF-style: chr1-36553054-C-T.
Identifiers: ClinVar variation 2638663 (VCV002638663.24), dbSNP rs1315136440, ClinGen allele CA417258512.

ClinVar aggregate classification (germline): Likely benign (1 of 4 stars; one submission).

Allele frequency attached by ClinVar (database versions not stated): gnomAD exomes below 0.00001; TOPMed 0.00002; gnomAD 0.00003.
gnomAD v4.1: 8 of 1,613,688 alleles (0.0005%); highest among the groups gnomAD compares: African/African-American, 0.0013%; no homozygotes.

Submission:

CeGaT Center for Human Genetics Tuebingen
Classification: Likely benign. Last evaluated: 2022-04-01. Review status: criteria provided, single submitter. Criteria: CeGaT Center For Human Genetics Tuebingen Variant Classification Criteria Version 2. Collection method: clinical testing. Allele origin: germline. Affected: yes. Observed: 1 variant allele.
Comment: TEKT2: BP4, BP7